The following is an entry in ClinVar:

ClinVar aggregate classification (germline): Pathogenic. Review status: criteria provided, multiple submitters, no conflicts (2 of 4 stars). 4 submissions from 4 submitters: Pathogenic (4). Last evaluated 2024-07-02.

Conditions:
Hereditary cancer-predisposing syndrome. Also called: Neoplastic Syndromes, Hereditary; Tumor predisposition; Hereditary neoplastic syndrome; Hereditary Cancer Syndrome. Identifiers: Orphanet 140162, MedGen C0027672, MeSH D009386, MONDO:0015356.
Hereditary breast ovarian cancer syndrome. Also called: Hereditary breast and ovarian cancer; Hereditary breast and/or ovarian cancer syndrome; BRCA1- and BRCA2-Associated Hereditary Breast and Ovarian Cancer; Hereditary breast and ovarian cancer syndrome; Hereditary breast and ovarian cancer syndrome (HBOC); Breast and ovarian cancer. Identifiers: Orphanet 145, MedGen C0677776, MeSH D061325, MONDO:0003582. Disease mechanism: loss of function.
Familial cancer of breast. Also called: BREAST CANCER, FAMILIAL; Hereditary breast cancer; hereditary breast carcinoma. Identifiers: Orphanet 227535, MedGen C0346153, MONDO:0016419, OMIM 114480. Disease mechanism: loss of function.

Submissions (4):

Ambry Genetics
Classification: Pathogenic for Hereditary cancer-predisposing syndrome. Last evaluated: 2024-07-02. Review status: criteria provided, single submitter. Criteria: Ambry Variant Classification Scheme 2023. Collection method: clinical testing. Allele origin: germline.
Comment: The c.3464_3465delCT pathogenic mutation, located in coding exon 13 of the PALB2 gene, results from a deletion of two nucleotides at nucleotide positions 3464 to 3465, causing a translational frameshift with a predicted alternate stop codon (p.S1155*). This alteration occurs at the 3' terminus of thePALB2 gene, is not expected to trigger nonsense-mediated mRNA decay, and only impacts the last 32 amino acids of the protein. However, premature stop codons are typically deleterious in nature and the impacted region is critical for protein function (Ambry internal data). This variant is considered to be rare based on population cohorts in the Genome Aggregation Database (gnomAD). Based on the supporting evidence, this variant is interpreted as a disease-causing mutation.

Women's Health and Genetics/Laboratory Corporation of America, LabCorp
Classification: Pathogenic for Hereditary breast ovarian cancer syndrome. Last evaluated: 2024-05-23. Review status: criteria provided, single submitter. Criteria: LabCorp Variant Classification Summary - May 2015. Collection method: clinical testing. Allele origin: germline.
Comment: Variant summary: PALB2 c.3464_3465delCT (p.Ser1155X) results in a premature termination codon, predicted to cause a truncation of the encoded protein, however nonsense mediated decay is not expected to occur. Variants downstream of this variant have been classified as pathogenic by our lab. The variant was absent in 251474 control chromosomes. To our knowledge, no occurrence of c.3464_3465delCT in individuals affected with Hereditary Breast And Ovarian Cancer Syndrome and no experimental evidence demonstrating its impact on protein function have been reported. ClinVar contains an entry for this variant (Variation ID: 1367403). Based on the evidence outlined above, the variant was classified as pathogenic.

Myriad Genetics, Inc.
Classification: Pathogenic for Familial cancer of breast. Last evaluated: 2023-09-15. Review status: criteria provided, single submitter. Criteria: Myriad Autosomal Dominant, Autosomal Recessive and X-Linked Classification Criteria (2023). Collection method: clinical testing. Allele origin: unknown.
Comment: This variant is considered pathogenic. This variant creates a termination codon and is predicted to result in premature protein truncation.

Labcorp Genetics (formerly Invitae), Labcorp
Classification: Pathogenic for Familial cancer of breast. Last evaluated: 2021-05-28. Review status: criteria provided, single submitter. Criteria: Invitae Variant Classification Sherloc (09022015). Collection method: clinical testing. Allele origin: germline.
Comment: For these reasons, this variant has been classified as Pathogenic. This variant disrupts the C-terminus of the PALB2 protein. Other variant(s) that disrupt this region (p.Tyr1183*) have been determined to be pathogenic (PMID: 17200668, 26315354, 17200671, 21365267, 22241545, 19609323). This suggests that variants that disrupt this region of the protein are likely to be causative of disease. This variant has not been reported in the literature in individuals with PALB2-related conditions. This variant is not present in population databases (ExAC no frequency). This sequence change creates a premature translational stop signal (p.Ser1155*) in the PALB2 gene. While this is not anticipated to result in nonsense mediated decay, it is expected to disrupt the last 32 amino acid(s) of the PALB2 protein.

Literature cited by the submitters: PubMed 17200668 (cited by Labcorp Genetics (formerly Invitae), Labcorp); PubMed 26315354 (cited by Labcorp Genetics (formerly Invitae), Labcorp); PubMed 17200671 (cited by Labcorp Genetics (formerly Invitae), Labcorp); PubMed 21365267 (cited by Labcorp Genetics (formerly Invitae), Labcorp); PubMed 22241545 (cited by Labcorp Genetics (formerly Invitae), Labcorp); PubMed 19609323 (cited by Labcorp Genetics (formerly Invitae), Labcorp).

NM_024675.4(PALB2):c.3464_3465del (p.Val1154_Ser1155insTer)

Gene: PALB2 (partner and localizer of BRCA2; minus strand). Cytogenetic location: 16p12.2.
Variant type: Microsatellite.
Coding change: c.3464_3465del on transcript NM_024675.4 (MANE Select); coding-DNA positions 3464 to 3465, 2 bases deleted (CT; older notation c.3464_3465delCT).
Protein change: p.Val1154_Ser1155insTer.
Molecular consequence: nonsense.
Genome position (GRCh38, 1-based): chr16:23,603,555-23,603,556, AG deleted on the plus strand (CT on the coding strand, the reverse complement: PALB2 is on the minus strand); deleting any 2 consecutive bases within chr16:23,603,555-23,603,559 gives the same sequence; the c. name uses the placement nearest the transcript's 3' end. VCF-style (leftmost placement, unchanged base first): chr16-23603554-CAG-C. GRCh37 (hg19) VCF-style: chr16-23614875-CAG-C.
Other names: c.3464_3465delCT (NM_024675.4).
Identifiers: ClinVar variation 1367403 (VCV001367403.14), dbSNP rs2142253220, ClinGen allele CA2580613442.